The following is an entry in ClinVar:

ClinVar aggregate classification (germline): Uncertain significance (1 of 4 stars; one submission).

Conditions:
Congenital myasthenic syndrome 8. Also called: Myasthenic syndrome, congenital, 8, with pre- and postsynaptic defects; MYASTHENIC SYNDROME, CONGENITAL, DUE TO AGRIN DEFICIENCY. Identifiers: Orphanet 590, MedGen C3808739, MONDO:0014052, OMIM 615120.

Allele frequency attached by ClinVar (database versions not stated): gnomAD exomes below 0.00001; ExAC 0.00001.
gnomAD v4.1: 1 of 1,598,722 alleles (0.000063%); highest among the groups gnomAD compares: Non-Finnish European, 0.000085%; no homozygotes.

Submission:

Labcorp Genetics (formerly Invitae), Labcorp
Classification: Uncertain significance for Congenital myasthenic syndrome 8. Last evaluated: 2022-08-13. Review status: criteria provided, single submitter. Criteria: Invitae Variant Classification Sherloc (09022015). Collection method: clinical testing. Allele origin: germline.
Comment: In summary, the available evidence is currently insufficient to determine the role of this variant in disease. Therefore, it has been classified as a Variant of Uncertain Significance. This sequence change replaces glycine, which is neutral and non-polar, with serine, which is neutral and polar, at codon 1478 of the AGRN protein (p.Gly1478Ser). This variant is present in population databases (rs749079416, gnomAD 0.0009%). This variant has not been reported in the literature in individuals affected with AGRN-related conditions. Algorithms developed to predict the effect of missense changes on protein structure and function are either unavailable or do not agree on the potential impact of this missense change (SIFT: "Deleterious"; PolyPhen-2: "Probably Damaging"; Align-GVGD: "Class C0").

NM_198576.4(AGRN):c.4432G>A (p.Gly1478Ser)

Gene: AGRN (agrin; plus strand). Cytogenetic location: 1p36.33.
Variant type: single nucleotide variant.
Coding change: c.4432G>A on transcript NM_198576.4 (MANE Select); coding-DNA position 4432, G replaced by A.
Protein change: p.Gly1478Ser; replaces glycine 1478 with serine.
Molecular consequence: missense variant.
Genome position (GRCh38, 1-based): chr1:1,049,369, G>A. VCF-style: chr1-1049369-G-A. GRCh37 (hg19) VCF-style: chr1-984749-G-A.
Other names: c.4432G>A, p.Gly1478Ser (NM_001305275.2); c.4117G>A, p.Gly1373Ser (NM_001364727.2); short protein forms G1373S, G1478S.
Identifiers: ClinVar variation 1952528 (VCV001952528.5), dbSNP rs749079416, ClinGen allele CA509457.